The following is an entry in ClinVar:

ClinVar aggregate classification (germline): Uncertain significance (1 of 4 stars; one submission).

Conditions:
Imerslund-Grasbeck syndrome type 1 (IGS1). Also called: Megaloblastic anemia 1, Finnish type; MEGALOBLASTIC ANEMIA, 1; Imerslund-Gräsbeck syndrome 1. Identifiers: MedGen C4016819, MONDO:0100156, OMIM 261100.

Allele frequency attached by ClinVar (database versions not stated): gnomAD 0.00001; TOPMed 0.00001.

Submission:

MVZ Medizinische Genetik Mainz
Classification: Uncertain significance for Imerslund-Grasbeck syndrome type 1. Last evaluated: 2022-02-16. Review status: criteria provided, single submitter. Criteria: UK Practice Guidelines For Variant Classification V4 01 2020. Collection method: clinical testing. Allele origin: germline. Inheritance: Autosomal recessive inheritance. Affected: yes. Observed: 1 variant allele.
Comment: ACMG Criteria: PM2_SUP, PP4; Compound Heterozygote

NM_001081.4(CUBN):c.5698G>A (p.Glu1900Lys)

Gene: CUBN (cubilin; minus strand). Cytogenetic location: 10p13.
Variant type: single nucleotide variant.
Coding change: c.5698G>A on transcript NM_001081.4 (MANE Select); coding-DNA position 5698, G replaced by A.
Protein change: p.Glu1900Lys; replaces glutamic acid 1900 with lysine.
Molecular consequence: missense variant.
Genome position (GRCh38, 1-based): chr10:16,938,998, C>T on the plus strand (G>A on the coding strand, the complement: CUBN is on the minus strand). VCF-style: chr10-16938998-C-T. GRCh37 (hg19) VCF-style: chr10-16980997-C-T.
Other names: short protein forms E1900K.
Identifiers: ClinVar variation 3236198 (VCV003236198.1), dbSNP rs1224515655, ClinGen allele CA376155958.